The following is an entry in ClinVar:

NM_001384140.1(PCDH15):c.4227T>A (p.Cys1409Ter)

Gene: PCDH15 (protocadherin related 15; minus strand). Cytogenetic location: 10q21.1.
Variant type: single nucleotide variant.
Coding change: c.4227T>A on transcript NM_001384140.1 (MANE Select); coding-DNA position 4227, T replaced by A.
Protein change: p.Cys1409Ter; replaces cysteine 1409 with a stop codon.
Molecular consequence: nonsense.
Genome position (GRCh38, 1-based): chr10:53,827,533, A>T on the plus strand (T>A on the coding strand, the complement: PCDH15 is on the minus strand). VCF-style: chr10-53827533-A-T. GRCh37 (hg19) VCF-style: chr10-55587293-A-T.
Other names: c.4242T>A, p.Cys1414Ter (NM_001142763.2, NM_001142771.2); c.4227T>A, p.Cys1409Ter (NM_001142764.2, NM_001142770.3, NM_001142772.2 and 3 more transcripts); c.4014T>A, p.Cys1338Ter (NM_001142765.2); c.4218T>A, p.Cys1406Ter (NM_001142766.2); c.4107T>A, p.Cys1369Ter (NM_001142767.2); c.4161T>A, p.Cys1387Ter (NM_001142768.2, NM_001354404.2); c.4263T>A, p.Cys1421Ter (NM_001142769.4); c.4152T>A, p.Cys1384Ter (NM_001142773.2); and 1 more; short protein forms C1409*, C1338*, C1369*, C1416*, C1384*, C1387*, C1406*, C1414*.
Identifiers: ClinVar variation 370419 (VCV000370419.9), dbSNP rs1057516472, ClinGen allele CA16041358.

ClinVar aggregate classification (germline): Pathogenic/Likely pathogenic. Review status: criteria provided, multiple submitters, no conflicts (2 of 4 stars). 4 submissions from 4 submitters: Pathogenic (1); Likely pathogenic (2). 1 of the submissions does not count toward it. Last evaluated 2023-09-02.

Conditions:
Autosomal recessive nonsyndromic hearing loss 23. Identifiers: Orphanet 90636, MedGen C1836027, MONDO:0012293, OMIM 609533.
Usher syndrome type 1F (USH1F). Also called: USHER SYNDROME, TYPE IF. Identifiers: Orphanet 231169, Orphanet 886, MedGen C1865885, MONDO:0011186, OMIM 602083.
PCDH15-related disorder. Also called: PCDH15-related condition; PCDH15-related disorders.

Allele frequency attached by ClinVar (database versions not stated): gnomAD exomes below 0.00001.
gnomAD v4.1: 3 of 1,614,128 alleles (0.00019%); highest among the groups gnomAD compares: Non-Finnish European, 0.00025%; no homozygotes.

Submissions (4):

Baylor Genetics
Classification: Likely pathogenic for Autosomal recessive nonsyndromic hearing loss 23. Last evaluated: 2023-09-02. Review status: criteria provided, single submitter. Criteria: ACMG Guidelines, 2015. Collection method: clinical testing. Allele origin: unknown.

Blueprint Genetics
Classification: Likely pathogenic for PCDH15-related disorders. Last evaluated: 2023-06-01. Review status: criteria provided, single submitter. Criteria: ACMG Guidelines, 2015. Collection method: clinical testing. Allele origin: germline. Affected: yes. Observed: 3 variant alleles.

Labcorp Genetics (formerly Invitae), Labcorp
Classification: Pathogenic. Last evaluated: 2022-03-11. Review status: criteria provided, single submitter. Criteria: Invitae Variant Classification Sherloc (09022015). Collection method: clinical testing. Allele origin: germline.
Comment: ClinVar contains an entry for this variant (Variation ID: 370419). This sequence change creates a premature translational stop signal (p.Cys1409*) in the PCDH15 gene. It is expected to result in an absent or disrupted protein product. Loss-of-function variants in PCDH15 are known to be pathogenic (PMID: 11398101, 11487575, 14570705). This variant is not present in population databases (gnomAD no frequency). This variant has not been reported in the literature in individuals affected with PCDH15-related conditions. For these reasons, this variant has been classified as Pathogenic.

Counsyl
Classification: Likely pathogenic for Usher syndrome type 1F. Last evaluated: 2016-02-08. Review status: no assertion criteria provided. Collection method: clinical testing. Allele origin: unknown. Not counted in ClinVar's aggregate classification.

Literature cited by the submitters: PubMed 11398101 (cited by Labcorp Genetics (formerly Invitae), Labcorp); PubMed 11487575 (cited by Labcorp Genetics (formerly Invitae), Labcorp); PubMed 14570705 (cited by Labcorp Genetics (formerly Invitae), Labcorp).